The following is an entry in ClinVar:

ClinVar aggregate classification (germline): Uncertain significance (1 of 4 stars; one submission).

Conditions:
Familial melanoma. Also called: Hereditary melanoma; Hereditary cutaneous melanoma. Identifiers: Orphanet 618, MedGen C1512419, MONDO:0018961.

Submission:

Labcorp Genetics (formerly Invitae), Labcorp
Classification: Uncertain significance for Familial melanoma. Last evaluated: 2024-06-26. Review status: criteria provided, single submitter. Criteria: Invitae Variant Classification Sherloc (09022015). Collection method: clinical testing. Allele origin: germline.
Comment: This sequence change replaces glutamic acid, which is acidic and polar, with lysine, which is basic and polar, at codon 94 of the CDK4 protein (p.Glu94Lys). This variant is not present in population databases (gnomAD no frequency). This variant has not been reported in the literature in individuals affected with CDK4-related conditions. Advanced modeling of protein sequence and biophysical properties (such as structural, functional, and spatial information, amino acid conservation, physicochemical variation, residue mobility, and thermodynamic stability) performed at Invitae indicates that this missense variant is expected to disrupt CDK4 protein function with a positive predictive value of 95%. In summary, the available evidence is currently insufficient to determine the role of this variant in disease. Therefore, it has been classified as a Variant of Uncertain Significance.

NM_000075.4(CDK4):c.280G>A (p.Glu94Lys)

Gene: CDK4 (cyclin dependent kinase 4; minus strand). Cytogenetic location: 12q14.1.
Variant type: single nucleotide variant.
Coding change: c.280G>A on transcript NM_000075.4 (MANE Select); coding-DNA position 280, G replaced by A.
Protein change: p.Glu94Lys; replaces glutamic acid 94 with lysine.
Molecular consequence: missense variant.
Genome position (GRCh38, 1-based): chr12:57,751,281, C>T on the plus strand (G>A on the coding strand, the complement: CDK4 is on the minus strand). VCF-style: chr12-57751281-C-T. GRCh37 (hg19) VCF-style: chr12-58145064-C-T.
Other names: short protein forms E94K.
Identifiers: ClinVar variation 3637629 (VCV003637629.2).